The following is an entry in ClinVar:

NM_017636.4(TRPM4):c.3403G>C (p.Ala1135Pro)

Gene: TRPM4 (transient receptor potential cation channel subfamily M member 4; plus strand). Cytogenetic location: 19q13.33.
Variant type: single nucleotide variant.
Coding change: c.3403G>C on transcript NM_017636.4 (MANE Select); coding-DNA position 3403, G replaced by C.
Protein change: p.Ala1135Pro; replaces alanine 1135 with proline.
Molecular consequence: missense variant.
Genome position (GRCh38, 1-based): chr19:49,210,784, G>C. VCF-style: chr19-49210784-G-C. GRCh37 (hg19) VCF-style: chr19-49714041-G-C.
Other names: c.2968G>C, p.Ala990Pro (NM_001195227.2); c.3058G>C, p.Ala1020Pro (NM_001321281.2); c.1795G>C, p.Ala599Pro (NM_001321282.2); c.2881G>C, p.Ala961Pro (NM_001321283.2); c.2341G>C, p.Ala781Pro (NM_001321285.2); short protein forms A1020P, A1135P, A599P, A961P, A781P, A990P.
Identifiers: ClinVar variation 1731100 (VCV001731100.8), dbSNP rs754399438, ClinGen allele CA9569893.
Genomic context (GRCh38, chr19:49,210,784, plus strand): 5'-AAGGAAGCCGAGCGGAAGCTGCTAACGTGGGAATCGGTGCATAAGGAGAACTTTCTGCTG[G>C]CACGCGCTAGGGACAAGCGGGAGAGCGACTCCGAGCGTCTGAAGCGCACGTCCCAGAAGT-3'
Protein context (NP_060106.2, residues 1125-1145): ESVHKENFLL[Ala1135Pro]RARDKRESDS

ClinVar aggregate classification (germline): Uncertain significance. Review status: criteria provided, multiple submitters, no conflicts (2 of 4 stars). 2 submissions from 2 submitters: Uncertain significance (2). Last evaluated 2025-10-02.

Conditions:
Cardiovascular phenotype. Identifiers: MedGen CN230736.
Progressive familial heart block type IB (PFHB1B). Identifiers: Orphanet 871, MedGen C1970298, MONDO:0011474, OMIM 604559.

Allele frequency attached by ClinVar (database versions not stated): ExAC 0.00001; TOPMed 0.00001; gnomAD 0.00003.
gnomAD v4.1: 6 of 1,613,876 alleles (0.00037%); highest among the groups gnomAD compares: African/African-American, 0.008%; no homozygotes.

Submissions (2):

Ambry Genetics
Classification: Uncertain significance for Cardiovascular phenotype. Last evaluated: 2025-10-02. Review status: criteria provided, single submitter. Criteria: Ambry Variant Classification Scheme 2023. Collection method: clinical testing. Allele origin: germline.

Labcorp Genetics (formerly Invitae), Labcorp
Classification: Uncertain significance for Progressive familial heart block type IB. Last evaluated: 2025-08-11. Review status: criteria provided, single submitter. Criteria: Invitae Variant Classification Sherloc (09022015). Collection method: clinical testing. Allele origin: germline.
Comment: This sequence change replaces alanine, which is neutral and non-polar, with proline, which is neutral and non-polar, at codon 1135 of the TRPM4 protein (p.Ala1135Pro). This variant is present in population databases (rs754399438, gnomAD 0.008%). This variant has not been reported in the literature in individuals affected with TRPM4-related conditions. ClinVar contains an entry for this variant (Variation ID: 1731100). An algorithm developed to predict the effect of missense changes on protein structure and function (PolyPhen-2) suggests that this variant is likely to be tolerated. In summary, the available evidence is currently insufficient to determine the role of this variant in disease. Therefore, it has been classified as a Variant of Uncertain Significance.